The following is an entry in ClinVar:

NM_004380.3(CREBBP):c.6852C>G (p.Thr2284=)

Gene: CREBBP (CREB binding lysine acetyltransferase; minus strand). Cytogenetic location: 16p13.3.
Variant type: single nucleotide variant.
Coding change: c.6852C>G on transcript NM_004380.3 (MANE Select); coding-DNA position 6852, C replaced by G.
Protein change: p.Thr2284=; no amino-acid change (threonine 2284 retained).
Molecular consequence: synonymous variant.
Genome position (GRCh38, 1-based): chr16:3,728,195, G>C on the plus strand (C>G on the coding strand, the complement: CREBBP is on the minus strand). VCF-style: chr16-3728195-G-C. GRCh37 (hg19) VCF-style: chr16-3778196-G-C.
Other names: c.6738C>G, p.Thr2246= (NM_001079846.1).
Identifiers: ClinVar variation 1208838 (VCV001208838.18), dbSNP rs201161108, ClinGen allele CA7868983.

ClinVar aggregate classification (germline): Benign/Likely benign. Review status: criteria provided, multiple submitters, no conflicts (2 of 4 stars). 7 submissions from 7 submitters: Benign (2); Likely benign (4). 1 of the submissions does not count toward it. Last evaluated 2025-09-03.

Conditions:
CREBBP-related disorder. Also called: CREBBP-related disorders; CREBBP-related condition.
Rubinstein-Taybi syndrome (RSTS). Identifiers: Orphanet 783, MedGen C0035934, MONDO:0019188.
Inborn genetic diseases. Identifiers: MedGen C0950123, MeSH D030342.

Allele frequency attached by ClinVar (database versions not stated): gnomAD 0.00010 and 0.00011; ExAC 0.00012; gnomAD exomes 0.00014; ESP Exome Variant Server 0.00015; TOPMed 0.00016.
gnomAD v4.1: 138 of 1,613,792 alleles (0.0086%); highest among the groups gnomAD compares: Admixed American, 0.01%; no homozygotes.

Submissions (7):

Labcorp Genetics (formerly Invitae), Labcorp
Classification: Benign for Rubinstein-Taybi syndrome. Last evaluated: 2025-09-03. Review status: criteria provided, single submitter. Criteria: Invitae Variant Classification Sherloc (09022015). Collection method: clinical testing. Allele origin: germline.

Blueprint Genetics
Classification: Likely benign. Last evaluated: 2024-06-10. Review status: criteria provided, single submitter. Criteria: ACMG Guidelines, 2015. Collection method: clinical testing. Allele origin: germline.

GeneDx
Classification: Likely benign. Last evaluated: 2020-08-28. Review status: criteria provided, single submitter. Criteria: GeneDx Variant Classification Process June 2021. Collection method: clinical testing. Allele origin: germline. Affected: yes.

Ambry Genetics
Classification: Likely benign for Inborn genetic diseases. Last evaluated: 2019-10-23. Review status: criteria provided, single submitter. Criteria: Ambry Variant Classification Scheme 2023. Collection method: clinical testing. Allele origin: germline.

Genetic Services Laboratory, University of Chicago
Classification: Benign. Last evaluated: 2017-08-07. Review status: criteria provided, single submitter. Criteria: ACMG Guidelines, 2015. Collection method: clinical testing. Allele origin: germline. Affected: no.

Breakthrough Genomics
Classification: Likely benign. Review status: criteria provided, single submitter. Criteria: ACMG Guidelines, 2015. Collection method: not provided. Allele origin: germline. Inheritance: Autosomal dominant inheritance. Affected: yes.

PreventionGenetics, part of Exact Sciences
Classification: Likely benign for CREBBP-related condition. Last evaluated: 2021-11-12. Review status: no assertion criteria provided. Collection method: clinical testing. Allele origin: germline. Not counted in ClinVar's aggregate classification.
Comment: This variant is classified as likely benign based on ACMG/AMP sequence variant interpretation guidelines (Richards et al. 2015 PMID: 25741868, with internal and published modifications).